The following is an entry in ClinVar:

NM_014915.3(ANKRD26):c.3049A>G (p.Ile1017Val)

Gene: ANKRD26 (ankyrin repeat domain 26; minus strand). Cytogenetic location: 10p12.1.
Variant type: single nucleotide variant.
Coding change: c.3049A>G on transcript NM_014915.3 (MANE Select); coding-DNA position 3049, A replaced by G.
Protein change: p.Ile1017Val; replaces isoleucine 1017 with valine.
Molecular consequence: missense variant.
Genome position (GRCh38, 1-based): chr10:27,035,401, T>C on the plus strand (A>G on the coding strand, the complement: ANKRD26 is on the minus strand). VCF-style: chr10-27035401-T-C. GRCh37 (hg19) VCF-style: chr10-27324330-T-C.
Other names: c.3046A>G, p.Ile1016Val (NM_001256053.2); short protein forms I1016V, I1017V.
Identifiers: ClinVar variation 4579082 (VCV004579082.1).
Genomic context (GRCh38, chr10:27,035,401, plus strand): 5'-CTCTCTGGAAAGCAAGTTCTAGTTCTCTTTTTGATGTCTCACTTTGATCACGATCATGTA[T>C]AGCAGCAGCCAATCTAGAATGGTATGATTCAACTTCTGCTTCCAGTCTTTCCTTGCTTTG-3'
Protein context (NP_055730.2, residues 1007-1027): ESYHSRLAAA[Ile1017Val]HDRDQSETSK

ClinVar aggregate classification (germline): Uncertain significance (1 of 4 stars; one submission).

Conditions:
Inborn genetic diseases. Identifiers: MedGen C0950123, MeSH D030342.

gnomAD v4.1: 10 of 1,614,018 alleles (0.00062%); highest among the groups gnomAD compares: South Asian, 0.0011%; no homozygotes.

Submission:

Ambry Genetics
Classification: Uncertain significance for Inborn genetic diseases. Last evaluated: 2025-10-02. Review status: criteria provided, single submitter. Criteria: Ambry Variant Classification Scheme 2023. Collection method: clinical testing. Allele origin: germline.
Comment: The p.I1017V variant (also known as c.3049A>G), located in coding exon 24 of the ANKRD26 gene, results from an A to G substitution at nucleotide position 3049. The isoleucine at codon 1017 is replaced by valine, an amino acid with highly similar properties. This amino acid position is conserved. In addition, this alteration is predicted to be tolerated by in silico analysis. Based on the available evidence, the clinical significance of this variant remains unclear.